The following is an entry in ClinVar:

NM_000372.5(TYR):c.803TCT[1] (p.Phe269del)

Gene: TYR (tyrosinase; plus strand). Cytogenetic location: 11q14.3.
Variant type: Microsatellite.
Coding change: c.803TCT[1] on transcript NM_000372.5 (MANE Select); one copy of the 3-base unit TCT starting at c.803; the reference has two copies in a row; one copy, 3 bases deleted.
Protein change: p.Phe269del; deletes phenylalanine 269.
Molecular consequence: inframe deletion.
Genome position (GRCh38, 1-based): chr11:89,178,759-89,178,761, TCT deleted; deleting any 3 consecutive bases within chr11:89,178,755-89,178,761 gives the same sequence; the position shown is the placement nearest the transcript's 3' end. VCF-style (leftmost placement, unchanged base first): chr11-89178754-ATTC-A. GRCh37 (hg19) VCF-style: chr11-88911922-ATTC-A.
Other names: short protein forms F269del.
Identifiers: ClinVar variation 422828 (VCV000422828.8), dbSNP rs1064796028, ClinGen allele CA16619416.

ClinVar aggregate classification (germline): Conflicting classifications of pathogenicity. Review status: criteria provided, conflicting classifications (1 of 4 stars). 3 submissions from 3 submitters: Likely pathogenic (1); Uncertain significance (2). Last evaluated 2024-10-29.

Submissions (3):

Labcorp Genetics (formerly Invitae), Labcorp
Classification: Uncertain significance. Last evaluated: 2024-10-29. Review status: criteria provided, single submitter. Criteria: Invitae Variant Classification Sherloc (09022015). Collection method: clinical testing. Allele origin: germline.
Comment: This variant, c.806_808del, results in the deletion of 1 amino acid(s) of the TYR protein (p.Phe269del), but otherwise preserves the integrity of the reading frame. This variant is not present in population databases (gnomAD no frequency). This variant has been observed in individual(s) with oculocutaneous albinism (PMID: 27734839). ClinVar contains an entry for this variant (Variation ID: 422828). Experimental studies and prediction algorithms are not available or were not evaluated, and the functional significance of this variant is currently unknown. In summary, the available evidence is currently insufficient to determine the role of this variant in disease. Therefore, it has been classified as a Variant of Uncertain Significance.

Blueprint Genetics
Classification: Uncertain significance. Last evaluated: 2021-11-01. Review status: criteria provided, single submitter. Criteria: ACMG Guidelines, 2015. Collection method: clinical testing. Allele origin: germline.

GeneDx
Classification: Likely pathogenic. Last evaluated: 2016-12-22. Review status: criteria provided, single submitter. Criteria: GeneDx Variant Classification (06012015). Collection method: clinical testing. Allele origin: germline. Affected: yes.
Comment: The c.806_808delTCT variant in the TYR gene has not been reported previously as a pathogenic variant nor as a benign variant, to our knowledge. The c.806_808delTCT variant causes an in-frame deletion of one amnio acid, Phenylalanine 269, denoted p.Phe269del. The c.806_808delTCT variant was not observed in approximately 6,500 individuals of European and African American ancestry in the NHLBI Exome Sequencing Project, indicating it is not a common benign variant in these populations. This deletion occurs at a position that is conserved across species. In silico analysis is inconsistent in its predictions as to whether or not the deletion is damaging to the protein structure/function. We interpret c.806_808delTCT as a likely pathogenic variant.

Literature cited by the submitters: PubMed 27734839 (cited by Labcorp Genetics (formerly Invitae), Labcorp).